The following is an entry in ClinVar:

ClinVar aggregate classification (germline): Uncertain significance. Review status: criteria provided, multiple submitters, no conflicts (2 of 4 stars). 2 submissions from 2 submitters: Uncertain significance (2). Last evaluated 2023-08-16.

Conditions:
Inborn genetic diseases. Identifiers: MedGen C0950123, MeSH D030342.
Spastic paraplegia. Identifiers: MedGen C0037772, HP:0001258.

Submissions (2):

Labcorp Genetics (formerly Invitae), Labcorp
Classification: Uncertain significance for Spastic paraplegia. Last evaluated: 2023-08-16. Review status: criteria provided, single submitter. Criteria: Invitae Variant Classification Sherloc (09022015). Collection method: clinical testing. Allele origin: germline.
Comment: In summary, the available evidence is currently insufficient to determine the role of this variant in disease. Therefore, it has been classified as a Variant of Uncertain Significance. Advanced modeling of protein sequence and biophysical properties (such as structural, functional, and spatial information, amino acid conservation, physicochemical variation, residue mobility, and thermodynamic stability) has been performed at Invitae for this missense variant, however the output from this modeling did not meet the statistical confidence thresholds required to predict the impact of this variant on SLC16A2 protein function. ClinVar contains an entry for this variant (Variation ID: 985190). This variant has not been reported in the literature in individuals affected with SLC16A2-related conditions. This variant is not present in population databases (gnomAD no frequency). This sequence change replaces proline, which is neutral and non-polar, with leucine, which is neutral and non-polar, at codon 382 of the SLC16A2 protein (p.Pro382Leu).

Ambry Genetics
Classification: Uncertain significance for Inborn genetic diseases. Last evaluated: 2018-10-16. Review status: criteria provided, single submitter. Criteria: Ambry exome assertion method (8-5-2015). Collection method: clinical testing. Allele origin: germline. Affected: yes. Observed: 1 variant allele.

NM_006517.5(SLC16A2):c.1145C>T (p.Pro382Leu)

Gene: SLC16A2 (solute carrier family 16 member 2; plus strand). Cytogenetic location: Xq13.2.
Variant type: single nucleotide variant.
Coding change: c.1145C>T on transcript NM_006517.5 (MANE Select); coding-DNA position 1145, C replaced by T.
Protein change: p.Pro382Leu; replaces proline 382 with leucine.
Molecular consequence: missense variant.
Genome position (GRCh38, 1-based): chrX:74,525,868, C>T. VCF-style: chrX-74525868-C-T. GRCh37 (hg19) VCF-style: chrX-73745703-C-T.
Other names: short protein forms P382L.
Identifiers: ClinVar variation 985190 (VCV000985190.6), dbSNP rs1930480393, ClinGen allele CA413658090.